The following is an entry in ClinVar:

NM_206933.4(USH2A):c.13741C>T (p.His4581Tyr)

Gene: USH2A (usherin; minus strand). Cytogenetic location: 1q41.
Variant type: single nucleotide variant.
Coding change: c.13741C>T on transcript NM_206933.4 (MANE Select); coding-DNA position 13741, C replaced by T.
Protein change: p.His4581Tyr; replaces histidine 4581 with tyrosine.
Molecular consequence: missense variant.
Genome position (GRCh38, 1-based): chr1:215,674,170, G>A on the plus strand (C>T on the coding strand, the complement: USH2A is on the minus strand). VCF-style: chr1-215674170-G-A. GRCh37 (hg19) VCF-style: chr1-215847512-G-A.
Other names: short protein forms H4581Y.
Identifiers: ClinVar variation 3342332 (VCV003342332.1).

ClinVar aggregate classification (germline): Uncertain significance (1 of 4 stars; one submission).

gnomAD v4.1: 1 of 1,614,098 alleles (0.000062%); no homozygotes.

Submission:

GeneDx
Classification: Uncertain significance. Last evaluated: 2024-02-26. Review status: criteria provided, single submitter. Criteria: GeneDx Variant Classification Process June 2021. Collection method: clinical testing. Allele origin: germline. Affected: yes.
Comment: Not observed at significant frequency in large population cohorts (gnomAD); In silico analysis supports that this missense variant does not alter protein structure/function; Has not been previously published as pathogenic or benign to our knowledge